The following is an entry in ClinVar:

NM_015046.7(SETX):c.6556T>A (p.Ser2186Thr)

Gene: SETX (senataxin; minus strand). Cytogenetic location: 9q34.13.
Variant type: single nucleotide variant.
Coding change: c.6556T>A on transcript NM_015046.7 (MANE Select); coding-DNA position 6556, T replaced by A.
Protein change: p.Ser2186Thr; replaces serine 2186 with threonine.
Molecular consequence: missense variant.
Genome position (GRCh38, 1-based): chr9:132,281,565, A>T on the plus strand (T>A on the coding strand, the complement: SETX is on the minus strand). VCF-style: chr9-132281565-A-T. GRCh37 (hg19) VCF-style: chr9-135156952-A-T.
Other names: c.6556T>A, p.Ser2186Thr (NM_001351527.2, NM_001351528.2); short protein forms S2186T.
Identifiers: ClinVar variation 1754175 (VCV001754175.2), dbSNP rs2538893933, ClinGen allele CA375333846.

ClinVar aggregate classification (germline): Uncertain significance (1 of 4 stars; one submission).

Conditions:
Inborn genetic diseases. Identifiers: MedGen C0950123, MeSH D030342.

Submission:

Ambry Genetics
Classification: Uncertain significance for Inborn genetic diseases. Last evaluated: 2021-12-29. Review status: criteria provided, single submitter. Criteria: Ambry Variant Classification Scheme 2023. Collection method: clinical testing. Allele origin: germline.
Comment: The p.S2186T variant (also known as c.6556T>A), located in coding exon 18 of the SETX gene, results from a T to A substitution at nucleotide position 6556. The serine at codon 2186 is replaced by threonine, an amino acid with similar properties. This amino acid position is conserved. In addition, the in silico prediction for this alteration is inconclusive. Since supporting evidence is limited at this time, the clinical significance of this alteration remains unclear.